The following is an entry in ClinVar:

NM_001370259.2(MEN1):c.23A>C (p.Lys8Thr)

Gene: MEN1 (menin 1; minus strand). Cytogenetic location: 11q13.1.
Variant type: single nucleotide variant.
Coding change: c.23A>C on transcript NM_001370259.2 (MANE Select); coding-DNA position 23, A replaced by C.
Protein change: p.Lys8Thr; replaces lysine 8 with threonine.
Molecular consequence: missense variant. On other transcripts: non-coding transcript variant (4).
Genome position (GRCh38, 1-based): chr11:64,810,087, T>G on the plus strand (A>C on the coding strand, the complement: MEN1 is on the minus strand). VCF-style: chr11-64810087-T-G. GRCh37 (hg19) VCF-style: chr11-64577559-T-G.
Other names: c.23A>C, p.Lys8Thr (NM_000244.4, NM_001370251.2, NM_001370260.2 and 20 more transcripts); short protein forms K8T.
Identifiers: ClinVar variation 2564980 (VCV002564980.2), dbSNP rs2497290778, ClinGen allele CA381188282.

ClinVar aggregate classification (germline): Uncertain significance (1 of 4 stars; one submission).

Conditions:
Hereditary cancer-predisposing syndrome. Also called: Neoplastic Syndromes, Hereditary; Hereditary Cancer Syndrome; Hereditary neoplastic syndrome; Tumor predisposition. Identifiers: Orphanet 140162, MedGen C0027672, MeSH D009386, MONDO:0015356.

Submission:

Ambry Genetics
Classification: Uncertain significance for Hereditary cancer-predisposing syndrome. Last evaluated: 2023-04-28. Review status: criteria provided, single submitter. Criteria: Ambry Variant Classification Scheme 2023. Collection method: clinical testing. Allele origin: germline.
Comment: The p.K8T variant (also known as c.23A>C), located in coding exon 1 of the MEN1 gene, results from an A to C substitution at nucleotide position 23. The lysine at codon 8 is replaced by threonine, an amino acid with similar properties. This amino acid position is conserved. In addition, this alteration is predicted to be deleterious by in silico analysis. Since supporting evidence is limited at this time, the clinical significance of this alteration remains unclear.